The following is an entry in ClinVar:

NM_000038.6(APC):c.7816G>A (p.Val2606Ile)

Gene: APC (APC regulator of Wnt signaling pathway; plus strand). Cytogenetic location: 5q22.2.
Variant type: single nucleotide variant.
Coding change: c.7816G>A on transcript NM_000038.6 (MANE Select); coding-DNA position 7816, G replaced by A.
Protein change: p.Val2606Ile; replaces valine 2606 with isoleucine.
Molecular consequence: missense variant.
Genome position (GRCh38, 1-based): chr5:112,843,410, G>A. VCF-style: chr5-112843410-G-A. GRCh37 (hg19) VCF-style: chr5-112179107-G-A.
Other names: c.7816G>A, p.Val2606Ile (NM_001127510.3, NM_001354895.2); c.7762G>A, p.Val2588Ile (NM_001127511.3); c.7870G>A, p.Val2624Ile (NM_001354896.2); c.7846G>A, p.Val2616Ile (NM_001354897.2); c.7741G>A, p.Val2581Ile (NM_001354898.2); c.7732G>A, p.Val2578Ile (NM_001354899.2); c.7693G>A, p.Val2565Ile (NM_001354900.2); c.7639G>A, p.Val2547Ile (NM_001354901.2); and 5 more; short protein forms V2515I, V2581I, V2588I, V2323I, V2480I, V2505I, V2565I, V2624I.
Identifiers: ClinVar variation 860900 (VCV000860900.49), dbSNP rs1766573660, ClinGen allele CA16038312.

ClinVar aggregate classification (germline): Uncertain significance (1 of 4 stars; one submission).

Conditions:
Familial adenomatous polyposis 1 (FAP1). Also called: POLYPOSIS, ADENOMATOUS INTESTINAL; FAMILIAL ADENOMATOUS POLYPOSIS 1, ATTENUATED. Identifiers: MedGen C2713442, MONDO:0021056, OMIM 175100. Disease mechanism: loss of function.

Submission:

Labcorp Genetics (formerly Invitae), Labcorp
Classification: Uncertain significance for Familial adenomatous polyposis 1. Last evaluated: 2019-12-20. Review status: criteria provided, single submitter. Criteria: Invitae Variant Classification Sherloc (09022015). Collection method: clinical testing. Allele origin: germline.
Comment: This variant is not present in population databases (ExAC no frequency). In summary, the available evidence is currently insufficient to determine the role of this variant in disease. Therefore, it has been classified as a Variant of Uncertain Significance. Algorithms developed to predict the effect of missense changes on protein structure and function output the following: SIFT: "Tolerated"; PolyPhen-2: "Benign"; Align-GVGD: "Class C0". The isoleucine amino acid residue is found in multiple mammalian species, suggesting that this missense change does not adversely affect protein function. These predictions have not been confirmed by published functional studies and their clinical significance is uncertain. This variant has not been reported in the literature in individuals with APC-related conditions. This sequence change replaces valine with isoleucine at codon 2606 of the APC protein (p.Val2606Ile). The valine residue is moderately conserved and there is a small physicochemical difference between valine and isoleucine.